The following is an entry in ClinVar:

ClinVar aggregate classification (germline): Uncertain significance. Review status: criteria provided, multiple submitters, no conflicts (2 of 4 stars). 2 submissions from 2 submitters: Uncertain significance (2). Last evaluated 2025-12-17.

Conditions:
Inborn genetic diseases. Identifiers: MedGen C0950123, MeSH D030342.
PCNT-related disorder. Also called: PCNT-related condition.

Allele frequency attached by ClinVar (database versions not stated): gnomAD 0.00004.
gnomAD v4.1: 42 of 1,613,858 alleles (0.0026%); highest among the groups gnomAD compares: African/African-American, 0.0053%; no homozygotes.

Submissions (2):

PreventionGenetics, part of Exact Sciences
Classification: Uncertain significance for PCNT-related condition. Last evaluated: 2025-12-17. Review status: criteria provided, single submitter. Criteria: ACMG Guidelines, 2015. Collection method: clinical testing. Allele origin: germline.
Comment: The PCNT c.6578C>G variant is predicted to result in the amino acid substitution p.Pro2193Arg. To our knowledge, this variant has not been reported in the literature. This variant is reported in 0.012% of alleles in individuals of African descent in gnomAD. At this time, the clinical significance of this variant is uncertain due to the absence of conclusive functional and genetic evidence.

Ambry Genetics
Classification: Uncertain significance for Inborn genetic diseases. Last evaluated: 2025-11-13. Review status: criteria provided, single submitter. Criteria: Ambry Variant Classification Scheme 2023. Collection method: clinical testing. Allele origin: germline.

NM_006031.6(PCNT):c.6578C>G (p.Pro2193Arg)

Gene: PCNT (pericentrin; plus strand). Cytogenetic location: 21q22.3.
Variant type: single nucleotide variant.
Coding change: c.6578C>G on transcript NM_006031.6 (MANE Select); coding-DNA position 6578, C replaced by G.
Protein change: p.Pro2193Arg; replaces proline 2193 with arginine.
Molecular consequence: missense variant.
Genome position (GRCh38, 1-based): chr21:46,416,496, C>G. VCF-style: chr21-46416496-C-G. GRCh37 (hg19) VCF-style: chr21-47836410-C-G.
Other names: c.6224C>G, p.Pro2075Arg (NM_001315529.2); short protein forms P2193R, P2075R.
Identifiers: ClinVar variation 2522804 (VCV002522804.4), dbSNP rs368565898, ClinGen allele CA10080357.
Genomic context (GRCh38, chr21:46,416,496, plus strand): 5'-AAATGCCAGATTCTCCCATTCAAGAAAAATCAGAATGTCAGGACATGTCTCTTTCTTCAC[C>G]GACCAGCGTACTTGGTGGCTCCCGCCACCAGAGCCACACTGCAGAGGCTGGGCCCCGGAA-3'
Protein context (NP_006022.3, residues 2183-2203): SECQDMSLSS[Pro2193Arg]TSVLGGSRHQ